The following is an entry in ClinVar:

ClinVar aggregate classification (germline): Uncertain significance (1 of 4 stars; one submission).

gnomAD v4.1: 10 of 1,613,956 alleles (0.00062%); highest among the groups gnomAD compares: African/African-American, 0.0027%; no homozygotes.

Submission:

ARUP Laboratories, Molecular Genetics and Genomics, ARUP Laboratories
Classification: Uncertain significance. Last evaluated: 2025-06-10. Review status: criteria provided, single submitter. Criteria: ARUP Molecular Germline Variant Investigation Process 2024. Collection method: clinical testing. Allele origin: germline.
Comment: The UGT1A7 c.94C>A; p.Pro32Thr variant (rs145424374), to our knowledge, is not reported in the medical literature or gene specific databases. This variant is only observed on one allele in the Genome Aggregation Database (v2.1.1), indicating it is not a common polymorphism. Computational analyses predict that this variant is deleterious (REVEL: 0.702). Due to limited information, the clinical significance of this variant is uncertain at this time.

NM_019077.3(UGT1A7):c.94C>A (p.Pro32Thr)

Genes: UGT1A (UDP glucuronosyltransferase family 1 member A complex locus; plus strand), UGT1A10 (UDP glucuronosyltransferase family 1 member A10; plus strand), UGT1A7 (UDP glucuronosyltransferase family 1 member A7; plus strand), UGT1A8 (UDP glucuronosyltransferase family 1 member A8; plus strand), UGT1A9 (UDP glucuronosyltransferase family 1 member A9; plus strand). Cytogenetic location: 2q37.1.
Variant type: single nucleotide variant.
Coding change: c.94C>A on transcript NM_019077.3 (MANE Select); coding-DNA position 94, C replaced by A.
Protein change: p.Pro32Thr; replaces proline 32 with threonine.
Molecular consequence: missense variant. On other transcripts: intron variant (3).
Genome position (GRCh38, 1-based): chr2:233,682,031, C>A. VCF-style: chr2-233682031-C-A. GRCh37 (hg19) VCF-style: chr2-234590677-C-A.
Other names: c.855+63469C>A (NM_019076.5); c.855+44654C>A (NM_019075.4); c.855+9242C>A (NM_021027.3); short protein forms P32T.
Identifiers: ClinVar variation 4685874 (VCV004685874.1).